The following is an entry in ClinVar:

ClinVar aggregate classification (germline): Uncertain significance. Review status: criteria provided, multiple submitters, no conflicts (2 of 4 stars). 3 submissions from 3 submitters: Uncertain significance (3). Last evaluated 2025-07-20.

Conditions:
POLG-related disorder. Also called: POLG-related condition; POLG-Related Disorders; POLG-Related Spectrum Disorders. Identifiers: MedGen C4763519.
Progressive sclerosing poliodystrophy (MTDPS4A). Also called: ALPERS DIFFUSE DEGENERATION OF CEREBRAL GRAY MATTER WITH HEPATIC CIRRHOSIS; Alpers-Huttenlocher Syndrome; ALPERS PROGRESSIVE INFANTILE POLIODYSTROPHY; NEURONAL DEGENERATION OF CHILDHOOD WITH LIVER DISEASE, PROGRESSIVE; Mitochondrial DNA Depletion Syndrome 4A; Alpers-Huttenlocher Syndrome (AHS). Identifiers: Orphanet 726, MedGen C0205710, MONDO:0008758, OMIM 203700.

Allele frequency attached by ClinVar (database versions not stated): gnomAD 0.00001; gnomAD exomes 0.00001; TOPMed 0.00001; ExAC 0.00002; ESP Exome Variant Server 0.00008.

Submissions (3):

Labcorp Genetics (formerly Invitae), Labcorp
Classification: Uncertain significance for Progressive sclerosing poliodystrophy. Last evaluated: 2025-07-20. Review status: criteria provided, single submitter. Criteria: Invitae Variant Classification Sherloc (09022015). Collection method: clinical testing. Allele origin: germline.
Comment: This sequence change replaces arginine, which is basic and polar, with lysine, which is basic and polar, at codon 1006 of the POLG protein (p.Arg1006Lys). This variant is present in population databases (rs142732551, gnomAD 0.01%). This variant has not been reported in the literature in individuals affected with POLG-related conditions. ClinVar contains an entry for this variant (Variation ID: 206469). Invitae Evidence Modeling of protein sequence and biophysical properties (such as structural, functional, and spatial information, amino acid conservation, physicochemical variation, residue mobility, and thermodynamic stability) indicates that this missense variant is not expected to disrupt POLG protein function with a negative predictive value of 95%. In summary, the available evidence is currently insufficient to determine the role of this variant in disease. Therefore, it has been classified as a Variant of Uncertain Significance.

GeneDx
Classification: Uncertain significance. Last evaluated: 2024-08-02. Review status: criteria provided, single submitter. Criteria: GeneDx Variant Classification Process June 2021. Collection method: clinical testing. Allele origin: germline. Affected: yes.
Comment: Not observed at significant frequency in large population cohorts (gnomAD); In silico analysis indicates that this missense variant does not alter protein structure/function; Has not been previously published as pathogenic or benign to our knowledge

PreventionGenetics, part of Exact Sciences
Classification: Uncertain significance for POLG-related condition. Last evaluated: 2023-04-14. Review status: criteria provided, single submitter. Criteria: ACMG Guidelines, 2015. Collection method: clinical testing. Allele origin: germline.
Comment: The POLG c.3017G>A variant is predicted to result in the amino acid substitution p.Arg1006Lys. To our knowledge, this variant has not been reported in the literature. This variant is reported in 0.0096% of alleles in individuals of Ashkenazi Jewish descent in gnomAD. At this time, the clinical significance of this variant is uncertain due to the absence of conclusive functional and genetic evidence.

NM_002693.3(POLG):c.3017G>A (p.Arg1006Lys)

Gene: POLG (DNA polymerase gamma, catalytic subunit; minus strand). Cytogenetic location: 15q26.1.
Variant type: single nucleotide variant.
Coding change: c.3017G>A on transcript NM_002693.3 (MANE Select); coding-DNA position 3017, G replaced by A.
Protein change: p.Arg1006Lys; replaces arginine 1006 with lysine.
Molecular consequence: missense variant.
Genome position (GRCh38, 1-based): chr15:89,319,315, C>T on the plus strand (G>A on the coding strand, the complement: POLG is on the minus strand). VCF-style: chr15-89319315-C-T. GRCh37 (hg19) VCF-style: chr15-89862546-C-T.
Other names: p.R1006K:AGG>AAG; c.3017G>A, p.Arg1006Lys (NM_001126131.2); short protein forms R1006K.
Identifiers: ClinVar variation 206469 (VCV000206469.14), dbSNP rs142732551, ClinGen allele CA316594.